The following is an entry in ClinVar:

NM_000553.6(WRN):c.362C>G (p.Pro121Arg)

Gene: WRN (WRN RecQ like helicase; plus strand). Cytogenetic location: 8p12.
Variant type: single nucleotide variant.
Coding change: c.362C>G on transcript NM_000553.6 (MANE Select); coding-DNA position 362, C replaced by G.
Protein change: p.Pro121Arg; replaces proline 121 with arginine.
Molecular consequence: missense variant.
Genome position (GRCh38, 1-based): chr8:31,064,921, C>G. VCF-style: chr8-31064921-C-G. GRCh37 (hg19) VCF-style: chr8-30922437-C-G.
Other names: short protein forms P121R.
Identifiers: ClinVar variation 238160 (VCV000238160.7), dbSNP rs768174465, ClinGen allele CA4704057.
Genomic context (GRCh38, chr8:31,064,921, plus strand): 5'-CATAAATCCATCATACTTGACAGAACTTATGGAAATAACAAGAAAATGTTACAGTTTTTC[C>G]CCAGGGATTAAAAATGTTGCTTGAAAATAAAGCAGTTAAAAAGGCAGGTGTAGGAATTGA-3'
Protein context (NP_000544.2, residues 111-131): LFHVSSMSVF[Pro121Arg]QGLKMLLENK

ClinVar aggregate classification (germline): Uncertain significance (1 of 4 stars; one submission).

Conditions:
Werner syndrome (WRN). Identifiers: Orphanet 902, MedGen C0043119, MONDO:0010196, OMIM 277700.

Allele frequency attached by ClinVar (database versions not stated): gnomAD exomes below 0.00001; ExAC 0.00001.
gnomAD v4.1: 2 of 1,613,270 alleles (0.00012%); highest among the groups gnomAD compares: Non-Finnish European, 0.00017%; no homozygotes.

Submission:

Labcorp Genetics (formerly Invitae), Labcorp
Classification: Uncertain significance for Werner syndrome. Last evaluated: 2025-09-01. Review status: criteria provided, single submitter. Criteria: Invitae Variant Classification Sherloc (09022015). Collection method: clinical testing. Allele origin: germline.
Comment: This sequence change replaces proline, which is neutral and non-polar, with arginine, which is basic and polar, at codon 121 of the WRN protein (p.Pro121Arg). This variant is present in population databases (rs768174465, gnomAD 0.0009%). This variant has not been reported in the literature in individuals affected with WRN-related conditions. ClinVar contains an entry for this variant (Variation ID: 238160). An algorithm developed to predict the effect of missense changes on protein structure and function (PolyPhen-2) suggests that this variant is likely to be disruptive. RNA analysis performed to evaluate the impact of this missense change on mRNA splicing indicates it does not significantly alter splicing (internal data). In summary, the available evidence is currently insufficient to determine the role of this variant in disease. Therefore, it has been classified as a Variant of Uncertain Significance.